The following is an entry in ClinVar:

NM_001384732.1(CPLANE1):c.7901A>G (p.Asn2634Ser)

Gene: CPLANE1 (ciliogenesis and planar polarity effector complex subunit 1; minus strand). Cytogenetic location: 5p13.2.
Variant type: single nucleotide variant.
Coding change: c.7901A>G on transcript NM_001384732.1 (MANE Select); coding-DNA position 7901, A replaced by G.
Protein change: p.Asn2634Ser; replaces asparagine 2634 with serine.
Molecular consequence: missense variant.
Genome position (GRCh38, 1-based): chr5:37,157,780, T>C on the plus strand (A>G on the coding strand, the complement: CPLANE1 is on the minus strand). VCF-style: chr5-37157780-T-C. GRCh37 (hg19) VCF-style: chr5-37157882-T-C.
Other names: c.7847A>G (NM_023073.3); c.7847A>G, p.Asn2616Ser (NM_023073.4); short protein forms N2634S, N2616S.
Identifiers: ClinVar variation 1385635 (VCV001385635.7), dbSNP rs375351922, ClinGen allele CA117045570.

ClinVar aggregate classification (germline): Uncertain significance. Review status: criteria provided, multiple submitters, no conflicts (2 of 4 stars). 2 submissions from 2 submitters: Uncertain significance (2). Last evaluated 2024-05-24.

Conditions:
Joubert syndrome 17 (JBTS17). Identifiers: Orphanet 475, MedGen C3553264, MONDO:0013824, OMIM 614615.
Orofaciodigital syndrome type 6 (OFD6). Also called: OROFACIODIGITAL SYNDROME VI; OFDS VI; POLYDACTYLY, CLEFT LIP/PALATE OR LINGUAL LUMP, AND PSYCHOMOTOR RETARDATION; VARADI SYNDROME; VARADI-PAPP SYNDROME; Oral-facial-digital syndrome type 6. Identifiers: Orphanet 2754, MedGen C2745997, MONDO:0010176, OMIM 277170.

Allele frequency attached by ClinVar (database versions not stated): gnomAD 0.00001; gnomAD exomes 0.00001 and 0.00002; TOPMed 0.00001; ESP Exome Variant Server 0.00008.
gnomAD v4.1: 37 of 1,613,658 alleles (0.0023%); highest among the groups gnomAD compares: Non-Finnish European, 0.003%; no homozygotes.

Submissions (2):

Fulgent Genetics
Classification: Uncertain significance for Orofaciodigital syndrome type 6; Joubert syndrome 17. Last evaluated: 2024-05-24. Review status: criteria provided, single submitter. Criteria: ACMG Guidelines, 2015. Collection method: clinical testing. Allele origin: germline.

Labcorp Genetics (formerly Invitae), Labcorp
Classification: Uncertain significance. Last evaluated: 2021-07-12. Review status: criteria provided, single submitter. Criteria: Invitae Variant Classification Sherloc (09022015). Collection method: clinical testing. Allele origin: germline.
Comment: In summary, the available evidence is currently insufficient to determine the role of this variant in disease. Therefore, it has been classified as a Variant of Uncertain Significance. This sequence change replaces asparagine with serine at codon 2616 of the CPLANE1 protein (p.Asn2616Ser). The asparagine residue is weakly conserved and there is a small physicochemical difference between asparagine and serine. This variant is not present in population databases (ExAC no frequency). This variant has not been reported in the literature in individuals affected with CPLANE1-related conditions. Advanced modeling of protein sequence and biophysical properties (such as structural, functional, and spatial information, amino acid conservation, physicochemical variation, residue mobility, and thermodynamic stability) performed at Invitae indicates that this missense variant is not expected to disrupt CPLANE1 protein function.